The following is an entry in ClinVar:

NM_000782.5(CYP24A1):c.150C>T (p.Gly50=)

Gene: CYP24A1 (cytochrome P450 family 24 subfamily A member 1; minus strand). Cytogenetic location: 20q13.2.
Variant type: single nucleotide variant.
Coding change: c.150C>T on transcript NM_000782.5 (MANE Select); coding-DNA position 150, C replaced by T.
Protein change: p.Gly50=; no amino-acid change (glycine 50 retained).
Molecular consequence: synonymous variant.
Genome position (GRCh38, 1-based): chr20:54,173,430, G>A on the plus strand (C>T on the coding strand, the complement: CYP24A1 is on the minus strand). VCF-style: chr20-54173430-G-A. GRCh37 (hg19) VCF-style: chr20-52789969-G-A.
Other names: c.150C>T, p.Gly50= (NM_001128915.2).
Identifiers: ClinVar variation 703574 (VCV000703574.16), dbSNP rs566481776, ClinGen allele CA9916265.

ClinVar aggregate classification (germline): Benign/Likely benign. Review status: criteria provided, multiple submitters, no conflicts (2 of 4 stars). 3 submissions from 3 submitters: Benign (1); Likely benign (2). Last evaluated 2025-12-01.

Conditions:
Hypercalcemia, infantile, 1 (HCINF1). Identifiers: Orphanet 300547, MedGen CN031131, MONDO:0020739, OMIM 143880.
CYP24A1-related disorder. Also called: CYP24A1-related condition.

Allele frequency attached by ClinVar (database versions not stated): TOPMed 0.00005; gnomAD 0.00009 and 0.00019; 1000 Genomes Project 30x 0.00078; 1000 Genomes Project 0.00080; gnomAD exomes 0.00104; ExAC 0.00268.
gnomAD v4.1: 643 of 1,569,648 alleles (0.041%); highest among the groups gnomAD compares: South Asian, 0.71%; 9 homozygotes.

Submissions (4):

Labcorp Genetics (formerly Invitae), Labcorp
Classification: Benign. Last evaluated: 2025-12-01. Review status: criteria provided, single submitter. Criteria: Invitae Variant Classification Sherloc (09022015). Collection method: clinical testing. Allele origin: germline.

PreventionGenetics, part of Exact Sciences
Classification: Likely benign for CYP24A1-related condition. Last evaluated: 2025-07-16. Review status: criteria provided, single submitter. Criteria: ACMG Guidelines, 2015. Collection method: clinical testing. Allele origin: germline.
Comment: This variant is classified as likely benign based on ACMG/AMP sequence variant interpretation guidelines (Richards et al. 2015 PMID: 25741868, with internal and published modifications).

Illumina Laboratory Services, Illumina
Classification: Likely benign for Hypercalcemia, infantile, 1. Last evaluated: 2018-01-13. Review status: criteria provided, single submitter. Criteria: ICSL Variant Classification Criteria 13 December 2019. Collection method: clinical testing. Allele origin: germline.
Comment: This variant was observed in the ICSL laboratory as part of a predisposition screen in an ostensibly healthy population. It had not been previously curated by ICSL or reported in the Human Gene Mutation Database (HGMD: prior to June 1st, 2018), and was therefore a candidate for classification through an automated scoring system. Utilizing variant allele frequency, disease prevalence and penetrance estimates, and inheritance mode, an automated score was calculated to assess if this variant is too frequent to cause the disease. Based on the score and internal cut-off values, a variant classified as likely benign is not then subjected to further curation. The score for this variant resulted in a classification of likely benign for this disease.

Dr. Peter K. Rogan Lab, Western University
No classification provided (evidence only). Condition: Colorectal cancer. Review status: no classification provided. Collection method: in vitro. Allele origin: not applicable. Functional consequence: retained intron. Not counted in ClinVar's aggregate classification.